The following is an entry in ClinVar:

ClinVar aggregate classification (germline): Uncertain significance (1 of 4 stars; one submission).

gnomAD v4.1: 1 of 1,600,648 alleles (0.000062%); highest among the groups gnomAD compares: African/African-American, 0.0014%; no homozygotes.

Submission:

Labcorp Genetics (formerly Invitae), Labcorp
Classification: Uncertain significance. Last evaluated: 2024-06-21. Review status: criteria provided, single submitter. Criteria: Invitae Variant Classification Sherloc (09022015). Collection method: clinical testing. Allele origin: germline.
Comment: This sequence change replaces glutamic acid, which is acidic and polar, with aspartic acid, which is acidic and polar, at codon 362 of the ERBIN protein (p.Glu362Asp). This variant is not present in population databases (gnomAD no frequency). This variant has not been reported in the literature in individuals affected with ERBIN-related conditions. An algorithm developed to predict the effect of missense changes on protein structure and function (PolyPhen-2) suggests that this variant is likely to be disruptive. In summary, the available evidence is currently insufficient to determine the role of this variant in disease. Therefore, it has been classified as a Variant of Uncertain Significance.

NM_001253697.2(ERBIN):c.1086G>C (p.Glu362Asp)

Gene: ERBIN (erbb2 interacting protein; plus strand). Cytogenetic location: 5q12.3.
Variant type: single nucleotide variant.
Coding change: c.1086G>C on transcript NM_001253697.2 (MANE Select); coding-DNA position 1086, G replaced by C.
Protein change: p.Glu362Asp; replaces glutamic acid 362 with aspartic acid.
Molecular consequence: missense variant.
Genome position (GRCh38, 1-based): chr5:66,026,367, G>C. VCF-style: chr5-66026367-G-C. GRCh37 (hg19) VCF-style: chr5-65322195-G-C.
Other names: c.1086G>C, p.Glu362Asp (NM_001253701.2, NM_018695.4, NM_001006600.3 and 2 more transcripts); short protein forms E362D.
Identifiers: ClinVar variation 3657318 (VCV003657318.2).